The following is an entry in ClinVar:

NM_001378454.1(ALMS1):c.220_228dup (p.Glu74_Ala76dup)

Gene: ALMS1 (ALMS1 centrosome and basal body associated protein; plus strand). Cytogenetic location: 2p13.1.
Variant type: Duplication.
Coding change: c.220_228dup on transcript NM_001378454.1 (MANE Select); coding-DNA positions 220 to 228, 9 bases duplicated (GAGGAGGCC; older notation c.220_228dupGAGGAGGCC).
Protein change: p.Glu74_Ala76dup.
Molecular consequence: inframe insertion.
Genome position (GRCh38, 1-based): chr2:73,386,088-73,386,096, GAGGAGGCC duplicated; duplicating any 9 consecutive bases within chr2:73,386,087-73,386,096 gives the same sequence; the c. name uses the placement nearest the transcript's 3' end. VCF-style (leftmost placement, unchanged base first): chr2-73386086-A-ACGAGGAGGC. GRCh37 (hg19) VCF-style: chr2-73613214-A-ACGAGGAGGC.
Other names: c.223_231dup, p.Glu75_Ala77dup (NM_015120.4).
Identifiers: ClinVar variation 1434943 (VCV001434943.3), dbSNP rs762635802, ClinGen allele CA1712771.

ClinVar aggregate classification (germline): Uncertain significance (1 of 4 stars; one submission).

Conditions:
Alstrom syndrome (ALMS). Identifiers: Orphanet 64, MedGen C0268425, MONDO:0008763, OMIM 203800.

Submission:

Labcorp Genetics (formerly Invitae), Labcorp
Classification: Uncertain significance for Alstrom syndrome. Last evaluated: 2022-07-11. Review status: criteria provided, single submitter. Criteria: Invitae Variant Classification Sherloc (09022015). Collection method: clinical testing. Allele origin: germline.
Comment: This variant, c.223_231dup, results in the insertion of 3 amino acid(s) of the ALMS1 protein (p.Glu75_Ala77dup), but otherwise preserves the integrity of the reading frame. This variant is present in population databases (rs762635802, gnomAD 0.001%). This variant has not been reported in the literature in individuals affected with ALMS1-related conditions. ClinVar contains an entry for this variant (Variation ID: 1434943). Experimental studies and prediction algorithms are not available or were not evaluated, and the functional significance of this variant is currently unknown. In summary, the available evidence is currently insufficient to determine the role of this variant in disease. Therefore, it has been classified as a Variant of Uncertain Significance.